The following is an entry in ClinVar:

NM_016026.4(RDH11):c.46C>T (p.Leu16Phe)

Genes: GPHN (gephyrin; plus strand), RDH11 (retinol dehydrogenase 11; minus strand). Cytogenetic location: 14q24.1.
Variant type: single nucleotide variant.
Coding change: c.46C>T on transcript NM_016026.4 (MANE Select); coding-DNA position 46, C replaced by T.
Protein change: p.Leu16Phe; replaces leucine 16 with phenylalanine.
Molecular consequence: missense variant.
Genome position (GRCh38, 1-based): chr14:67,695,658, G>A on the plus strand (C>T on the coding strand, the complement: RDH11 is on the minus strand). VCF-style: chr14-67695658-G-A. GRCh37 (hg19) VCF-style: chr14-68162375-G-A.
Other names: c.46C>T, p.Leu16Phe (NM_001252650.2); short protein forms L16F.
Identifiers: ClinVar variation 1717277 (VCV001717277.5), dbSNP rs773243578, ClinGen allele CA390139023.
Genomic context (GRCh38, chr14:67,695,658, plus strand): 5'-TTCTCAAGAGAAGGCAATACATTTGCACAGACCTGATTTGGGGCGCAGCCATATACAGAA[G>A]GAAGGGCAGAAGGAGGAGCAACAGCGGGAACATGAGCTCAACCATCTCTGCCGGCTGCAG-3'
Protein context (NP_057110.3, residues 6-26): FPLLLLLLPF[Leu16Phe]LYMAAPQIRK

ClinVar aggregate classification (germline): Uncertain significance (1 of 4 stars; one submission).

Submission:

Labcorp Genetics (formerly Invitae), Labcorp
Classification: Uncertain significance. Last evaluated: 2022-10-05. Review status: criteria provided, single submitter. Criteria: Invitae Variant Classification Sherloc (09022015). Collection method: clinical testing. Allele origin: germline.
Comment: Algorithms developed to predict the effect of missense changes on protein structure and function output the following: SIFT: "Tolerated"; PolyPhen-2: "Possibly Damaging"; Align-GVGD: "Class C0". The phenylalanine amino acid residue is found in multiple mammalian species, which suggests that this missense change does not adversely affect protein function. In summary, the available evidence is currently insufficient to determine the role of this variant in disease. Therefore, it has been classified as a Variant of Uncertain Significance. This variant has not been reported in the literature in individuals affected with RDH11-related conditions. This variant is not present in population databases (gnomAD no frequency). This sequence change replaces leucine, which is neutral and non-polar, with phenylalanine, which is neutral and non-polar, at codon 16 of the RDH11 protein (p.Leu16Phe).